The following is an entry in ClinVar:

ClinVar aggregate classification (germline): Uncertain significance (1 of 4 stars; one submission).

Conditions:
Dystonia 12 (DYT12). Also called: Rapid-Onset Dystonia-Parkinsonism (RDP); DYT-ATP1A3. Identifiers: Orphanet 71517, MedGen C1868681, MONDO:0007496, OMIM 128235.

Submission:

Labcorp Genetics (formerly Invitae), Labcorp
Classification: Uncertain significance for Dystonia 12. Last evaluated: 2022-09-29. Review status: criteria provided, single submitter. Criteria: Invitae Variant Classification Sherloc (09022015). Collection method: clinical testing. Allele origin: germline.
Comment: In summary, the available evidence is currently insufficient to determine the role of this variant in disease. Therefore, it has been classified as a Variant of Uncertain Significance. Algorithms developed to predict the effect of missense changes on protein structure and function output the following: SIFT: "Tolerated"; PolyPhen-2: "Benign"; Align-GVGD: "Class C0". The threonine amino acid residue is found in multiple mammalian species, which suggests that this missense change does not adversely affect protein function. This variant has not been reported in the literature in individuals affected with ATP1A3-related conditions. This variant is not present in population databases (gnomAD no frequency). This sequence change replaces proline, which is neutral and non-polar, with threonine, which is neutral and polar, at codon 519 of the ATP1A3 protein (p.Pro519Thr).

NM_152296.5(ATP1A3):c.1555C>A (p.Pro519Thr)

Gene: ATP1A3 (ATPase Na+/K+ transporting subunit alpha 3; minus strand). Cytogenetic location: 19q13.2.
Variant type: single nucleotide variant.
Coding change: c.1555C>A on transcript NM_152296.5 (MANE Select); coding-DNA position 1555, C replaced by A.
Protein change: p.Pro519Thr; replaces proline 519 with threonine.
Molecular consequence: missense variant.
Genome position (GRCh38, 1-based): chr19:41,978,681, G>T on the plus strand (C>A on the coding strand, the complement: ATP1A3 is on the minus strand). VCF-style: chr19-41978681-G-T. GRCh37 (hg19) VCF-style: chr19-42482833-G-T.
Other names: c.1588C>A, p.Pro530Thr (NM_001256213.2); c.1594C>A, p.Pro532Thr (NM_001256214.2); short protein forms P519T, P530T, P532T.
Identifiers: ClinVar variation 1720681 (VCV001720681.5), dbSNP rs2514056468, ClinGen allele CA406046786.